The following is an entry in ClinVar:

ClinVar aggregate classification (germline): Benign. Review status: criteria provided, multiple submitters, no conflicts (2 of 4 stars). 2 submissions from 2 submitters: Benign (2). Last evaluated 2013-02-21.

Allele frequency attached by ClinVar (database versions not stated): gnomAD 0.56414 and 0.56094; ESP Exome Variant Server 0.57137; TOPMed 0.55337; 1000 Genomes Project 30x 0.46127; 1000 Genomes Project 0.46665; ExAC 0.59212.
gnomAD v4.1: 972,268 of 1,550,066 alleles (63%); highest among the groups gnomAD compares: Non-Finnish European, 67%; 312,414 homozygotes.

Submissions (2):

Laboratory for Molecular Medicine, Mass General Brigham Personalized Medicine
Classification: Benign. Last evaluated: 2013-02-21. Review status: criteria provided, single submitter. Criteria: LMM Criteria. Collection method: clinical testing. Allele origin: germline. Observed: 16 variant alleles.
Comment: 1285+11T>G in intron 15 of FIP1L1: This variant is not expected to have clinical significance because it is not located within the conserved splice consensus se quence. It has been identified in 35.8% (1576/4406) of African American chromoso mes from a broad population by the NHLBI Exome Sequencing Project (.; dbSNP rs11723755).

Breakthrough Genomics
Classification: Benign. Review status: criteria provided, single submitter. Criteria: ACMG Guidelines, 2015. Collection method: not provided. Allele origin: germline. Inheritance: Unknown mechanism. Affected: yes.

NM_030917.4(FIP1L1):c.1285+11T>G

Gene: FIP1L1 (factor interacting with PAPOLA and CPSF1; plus strand). Cytogenetic location: 4q12.
Variant type: single nucleotide variant.
Coding change: c.1285+11T>G on transcript NM_030917.4 (MANE Select); 11 bases into the intron after coding-DNA position 1285, T replaced by G.
Molecular consequence: intron variant.
Genome position (GRCh38, 1-based): chr4:53,444,114, T>G. VCF-style: chr4-53444114-T-G. GRCh37 (hg19) VCF-style: chr4-54310281-T-G.
Other names: c.1312+11T>G (NM_001376744.1, NM_001376745.1, NM_001376766.1); c.1204+11T>G (NM_001376759.1); c.1177+11T>G (NM_001376765.1); c.1306+11T>G (NM_001376746.1); c.1198+11T>G (NM_001376761.1, NM_001376758.1, NM_001376760.1); c.1243+11T>G (NM_001376748.1, NM_001376749.1, NM_001376752.1 and 1 more transcripts); c.1216+11T>G (NM_001376753.1, NM_001376754.1); c.1213+11T>G (NM_001376756.1, NM_001376755.1); and 17 more.
Identifiers: ClinVar variation 178775 (VCV000178775.5), dbSNP rs11723755, ClinGen allele CA183010.